The following is an entry in ClinVar:

ClinVar aggregate classification (germline): Uncertain significance (1 of 4 stars; one submission).

Allele frequency attached by ClinVar (database versions not stated): ESP Exome Variant Server 0.00008.
gnomAD v4.1: 53 of 1,614,016 alleles (0.0033%); highest among the groups gnomAD compares: Non-Finnish European, 0.0042%; no homozygotes.

Submission:

Ambry Genetics
Classification: Uncertain significance. Last evaluated: 2024-09-30. Review status: criteria provided, single submitter. Criteria: Ambry Variant Classification Scheme 2023. Collection method: clinical testing. Allele origin: germline.
Comment: The p.T49I variant (also known as c.146C>T), located in coding exon 1 of the MNDA gene, results from a C to T substitution at nucleotide position 146. The threonine at codon 49 is replaced by isoleucine, an amino acid with similar properties. This amino acid position is conserved. In addition, this alteration is predicted to be tolerated by in silico analysis. Since supporting evidence is limited at this time, the clinical significance of this alteration remains unclear.

NM_002432.3(MNDA):c.146C>T (p.Thr49Ile)

Gene: MNDA (myeloid cell nuclear differentiation antigen; plus strand). Cytogenetic location: 1q23.1.
Variant type: single nucleotide variant.
Coding change: c.146C>T on transcript NM_002432.3 (MANE Select); coding-DNA position 146, C replaced by T.
Protein change: p.Thr49Ile; replaces threonine 49 with isoleucine.
Molecular consequence: missense variant.
Genome position (GRCh38, 1-based): chr1:158,842,299, C>T. VCF-style: chr1-158842299-C-T. GRCh37 (hg19) VCF-style: chr1-158812089-C-T.
Other names: short protein forms T49I.
Identifiers: ClinVar variation 1773326 (VCV001773326.3), dbSNP rs142166364, ClinGen allele CA1185494.